The following is an entry in ClinVar:

NM_007294.4(BRCA1):c.5193+3012T>G

Gene: BRCA1 (BRCA1 DNA repair associated; minus strand). Cytogenetic location: 17q21.31.
Variant type: single nucleotide variant.
Coding change: c.5193+3012T>G on transcript NM_007294.4 (MANE Select); 3012 bases into the intron after coding-DNA position 5193, T replaced by G.
Molecular consequence: intron variant.
Genome position (GRCh38, 1-based): chr17:43,060,321, A>C on the plus strand (T>G on the coding strand, the complement: BRCA1 is on the minus strand). VCF-style: chr17-43060321-A-C. GRCh37 (hg19) VCF-style: chr17-41212338-A-C.
Other names: IVS 19+3012T>G; c.5187+3012T>G (NM_001407642.1, NM_001407634.1, NM_001407632.1 and 14 more transcripts); c.5190+3012T>G (NM_001407625.1, NM_001407619.1, NM_001407610.1 and 17 more transcripts); c.5193+3012T>G (NM_001407684.1, NM_001407594.1, NM_001407593.1 and 7 more transcripts); c.5256+3012T>G (NM_001407583.1, NM_001407587.1, NM_001407585.1 and 1 more transcripts); c.5052+3012T>G (NM_001407724.1, NM_001407697.1, NM_001407728.1 and 13 more transcripts); c.5046+3012T>G (NM_001407838.1, NM_001407848.1, NM_001407839.1 and 12 more transcripts); c.1809+3012T>G (NM_001408410.1); and 73 more.
Identifiers: ClinVar variation 209305 (VCV000209305.2), dbSNP rs4793193, ClinGen allele CA276277.

ClinVar aggregate classification (germline): Benign (3 of 4 stars; one submission).

Conditions:
Breast-ovarian cancer, familial, susceptibility to, 1 (BROVCA1). Also called: BRCA1 Hereditary Breast and Ovarian Cancer; OVARIAN CANCER, SUSCEPTIBILITY TO. Identifiers: Orphanet 145, MedGen C2676676, MONDO:0011450, OMIM 604370. Disease mechanism: loss of function.

Allele frequency attached by ClinVar (database versions not stated): TOPMed 0.29154; gnomAD 0.30374 and 0.31102; 1000 Genomes Project 30x 0.33510; 1000 Genomes Project 0.34265.
gnomAD v4.1: 47,125 of 151,444 alleles (31%); highest among the groups gnomAD compares: South Asian, 49%; 7,686 homozygotes.

Submission:

Evidence-based Network for the Interpretation of Germline Mutant Alleles (ENIGMA)
Classification: Benign for Breast-ovarian cancer, familial 1. Last evaluated: 2015-01-12. Review status: reviewed by expert panel. Criteria: ENIGMA BRCA1/2 Classification Criteria (2015). Collection method: curation. Allele origin: germline.
Comment: Class 1 not pathogenic based on frequency >1% in an outbred sampleset. Frequency 0.3304 (Asian), 0.2154 (African), 0.3602 (European), derived from 1000 genomes (2012-04-30).